The following is an entry in ClinVar:

NM_001148.6(ANK2):c.6974A>G (p.Asp2325Gly)

Genes: ANK2 (ankyrin 2; plus strand), LOC126807137 (CDK7 strongly-dependent group 2 enhancer GRCh37_chr4:114276560-114277759; plus strand). Cytogenetic location: 4q26.
Variant type: single nucleotide variant.
Coding change: c.6974A>G on transcript NM_001148.6 (MANE Select); coding-DNA position 6974, A replaced by G.
Protein change: p.Asp2325Gly; replaces aspartic acid 2325 with glycine.
Molecular consequence: missense variant. On other transcripts: intron variant (68).
Genome position (GRCh38, 1-based): chr4:113,355,592, A>G. VCF-style: chr4-113355592-A-G. GRCh37 (hg19) VCF-style: chr4-114276748-A-G.
Other names: c.4265-5231A>G (NM_001354275.2, NM_001354245.2, NM_001354262.2); c.4202-5231A>G (NM_001354253.2, NM_001354270.2); c.4166-5231A>G (NM_001354257.2, NM_001386156.1); c.4241-5231A>G (NM_001354249.2, NM_001354266.2, NM_001354276.2 and 2 more transcripts); c.4208-5231A>G (NM_001386146.1, NM_001386150.1, NM_001386149.1 and 1 more transcripts); c.4193-5231A>G (NM_001354274.2, NM_001386154.1); c.4142-5231A>G (NM_001386151.1, NM_001354260.2, NM_001354271.2); c.4043-5231A>G (NM_001386157.1, NM_001354277.2); and 35 more; short protein forms D2325G, D1125G, D2247G, D2364G, D2372G.
Identifiers: ClinVar variation 666372 (VCV000666372.5), dbSNP rs752319494, ClinGen allele CA3051504.

ClinVar aggregate classification (germline): Uncertain significance (1 of 4 stars; one submission).

Conditions:
Long QT syndrome (LQTS). Identifiers: MedGen C0023976, MeSH D008133, MONDO:0002442. Disease mechanism: loss of function. Inheritance: Various modes of inheritance.

Allele frequency attached by ClinVar (database versions not stated): gnomAD 0.00001; TOPMed 0.00001.
gnomAD v4.1: 5 of 1,613,978 alleles (0.00031%); highest among the groups gnomAD compares: Non-Finnish European, 0.00042%; no homozygotes.

Submission:

Labcorp Genetics (formerly Invitae), Labcorp
Classification: Uncertain significance for Long QT syndrome. Last evaluated: 2022-04-04. Review status: criteria provided, single submitter. Criteria: Invitae Variant Classification Sherloc (09022015). Collection method: clinical testing. Allele origin: germline.
Comment: In summary, the available evidence is currently insufficient to determine the role of this variant in disease. Therefore, it has been classified as a Variant of Uncertain Significance. Algorithms developed to predict the effect of missense changes on protein structure and function output the following: SIFT: "Tolerated"; PolyPhen-2: "Benign"; Align-GVGD: "Class C0". The glycine amino acid residue is found in multiple mammalian species, which suggests that this missense change does not adversely affect protein function. This variant has not been reported in the literature in individuals affected with ANK2-related conditions. This variant is present in population databases (rs752319494, gnomAD 0.004%). This sequence change replaces aspartic acid, which is acidic and polar, with glycine, which is neutral and non-polar, at codon 2325 of the ANK2 protein (p.Asp2325Gly).